The following is an entry in ClinVar:

ClinVar aggregate classification (germline): Uncertain significance (1 of 4 stars; one submission).

Conditions:
Congenital disorder of glycosylation, type IIz (CDG2Z). Also called: CDG IIz. Identifiers: MedGen C5774295, MONDO:0859357, OMIM 620201.

Submission:

OLLIN Analises Genomicas, OLLIN
Classification: Uncertain significance for Congenital disorder of glycosylation, type IIz. Last evaluated: 2026-08-06. Review status: criteria provided, single submitter. Criteria: ACMG Guidelines 2015 PMID 25741868. Collection method: clinical testing. Allele origin: germline.
Comment: This missense variant, located in exon 4 (of 4), has been observed in gnomAD with an allele frequency of 0.00037%, but has not been reported in ClinVar or identified in the literature. In silico analysis predicts that this variant has a tolerated effect. According to the currently available evidence, this variant has been classified as uncertain significance (PM2_P, BP4).

NM_001745.4(CAMLG):c.724G>A (p.Val242Ile)

Gene: CAMLG (calcium modulating ligand; plus strand). Cytogenetic location: 5q31.1.
Variant type: single nucleotide variant.
Coding change: c.724G>A on transcript NM_001745.4 (MANE Select); coding-DNA position 724, G replaced by A.
Protein change: p.Val242Ile; replaces valine 242 with isoleucine.
Molecular consequence: missense variant.
Genome position (GRCh38, 1-based): chr5:134,750,783, G>A. VCF-style: chr5-134750783-G-A. GRCh37 (hg19) VCF-style: chr5-134086473-G-A.
Other names: short protein forms V242I.
Identifiers: ClinVar variation 5002722 (VCV005002722.1).